The following is an entry in ClinVar:

NM_182931.3(KMT2E):c.5251C>T (p.Pro1751Ser)

Gene: KMT2E (lysine methyltransferase 2E (inactive); plus strand). Cytogenetic location: 7q22.3.
Variant type: single nucleotide variant.
Coding change: c.5251C>T on transcript NM_182931.3 (MANE Select); coding-DNA position 5251, C replaced by T.
Protein change: p.Pro1751Ser; replaces proline 1751 with serine.
Molecular consequence: missense variant.
Genome position (GRCh38, 1-based): chr7:105,113,007, C>T. VCF-style: chr7-105113007-C-T. GRCh37 (hg19) VCF-style: chr7-104753454-C-T.
Other names: c.5125C>T, p.Pro1709Ser (NM_001410908.1); c.5251C>T, p.Pro1751Ser (NM_018682.4); short protein forms P1709S, P1751S.
Identifiers: ClinVar variation 2433254 (VCV002433254.5), dbSNP rs1584821298, ClinGen allele CA368794771.

ClinVar aggregate classification (germline): Uncertain significance. Review status: criteria provided, multiple submitters, no conflicts (2 of 4 stars). 2 submissions from 2 submitters: Uncertain significance (2). Last evaluated 2024-07-25.

Conditions:
O'Donnell-Luria-Rodan syndrome (ODLURO). Also called: KMT2E-Related Neurodevelopmental Disorder. Identifiers: MedGen C5193138, MONDO:0032793, OMIM 618512.

Allele frequency attached by ClinVar (database versions not stated): TOPMed below 0.00001.
gnomAD v4.1: 1 of 1,613,998 alleles (0.000062%); highest among the groups gnomAD compares: Non-Finnish European, 0.000085%; no homozygotes.

Submissions (2):

Labcorp Genetics (formerly Invitae), Labcorp
Classification: Uncertain significance. Last evaluated: 2024-07-25. Review status: criteria provided, single submitter. Criteria: Invitae Variant Classification Sherloc (09022015). Collection method: clinical testing. Allele origin: germline.
Comment: This sequence change replaces proline, which is neutral and non-polar, with serine, which is neutral and polar, at codon 1751 of the KMT2E protein (p.Pro1751Ser). This variant is not present in population databases (gnomAD no frequency). This variant has not been reported in the literature in individuals affected with KMT2E-related conditions. ClinVar contains an entry for this variant (Variation ID: 2433254). An algorithm developed to predict the effect of missense changes on protein structure and function (PolyPhen-2) suggests that this variant is likely to be disruptive. In summary, the available evidence is currently insufficient to determine the role of this variant in disease. Therefore, it has been classified as a Variant of Uncertain Significance.

Revvity Omics, Revvity
Classification: Uncertain significance for O'Donnell-Luria-Rodan syndrome. Last evaluated: 2019-05-09. Review status: criteria provided, single submitter. Criteria: ACMG Guidelines, 2015. Collection method: clinical testing. Allele origin: germline.